The following is an entry in ClinVar:

NM_001080517.3(SETD5):c.1884A>C (p.Gln628His)

Gene: SETD5 (SET domain containing 5; plus strand). Cytogenetic location: 3p25.3.
Variant type: single nucleotide variant.
Coding change: c.1884A>C on transcript NM_001080517.3 (MANE Select); coding-DNA position 1884, A replaced by C.
Protein change: p.Gln628His; replaces glutamine 628 with histidine.
Molecular consequence: missense variant.
Genome position (GRCh38, 1-based): chr3:9,447,787, A>C. VCF-style: chr3-9447787-A-C. GRCh37 (hg19) VCF-style: chr3-9489471-A-C.
Other names: c.1590A>C, p.Gln530His (NM_001292043.2, NM_001349451.2); short protein forms Q530H, Q628H.
Identifiers: ClinVar variation 2015085 (VCV002015085.4), dbSNP rs2472967638, ClinGen allele CA351697322.

ClinVar aggregate classification (germline): Uncertain significance (1 of 4 stars; one submission).

Submission:

Labcorp Genetics (formerly Invitae), Labcorp
Classification: Uncertain significance. Last evaluated: 2022-08-07. Review status: criteria provided, single submitter. Criteria: Invitae Variant Classification Sherloc (09022015). Collection method: clinical testing. Allele origin: germline.
Comment: In summary, the available evidence is currently insufficient to determine the role of this variant in disease. Therefore, it has been classified as a Variant of Uncertain Significance. Algorithms developed to predict the effect of missense changes on protein structure and function are either unavailable or do not agree on the potential impact of this missense change (SIFT: "Deleterious"; PolyPhen-2: "Probably Damaging"; Align-GVGD: "Class C0"). This variant has not been reported in the literature in individuals affected with SETD5-related conditions. This variant is not present in population databases (gnomAD no frequency). This sequence change replaces glutamine, which is neutral and polar, with histidine, which is basic and polar, at codon 628 of the SETD5 protein (p.Gln628His).